The following is an entry in ClinVar:

ClinVar aggregate classification (germline): Likely benign. Review status: criteria provided, multiple submitters, no conflicts (2 of 4 stars). 6 submissions from 4 submitters: Likely benign (6). Last evaluated 2026-09-01.

Conditions:
GLI3-related disorder. Also called: GLI3-related condition; GLI3-related disorders. Identifiers: MedGen CN239292.
Polydactyly. Also called: polydactylism. Identifiers: MedGen C0152427, MONDO:0021003, OMIM 603596, HP:0010442.
Greig cephalopolysyndactyly syndrome (GCPS). Also called: GLI3-Related Greig Cephalopolysyndactyly Syndrome; POLYSYNDACTYLY WITH PECULIAR SKULL SHAPE; Greig syndrome. Identifiers: Orphanet 380, MedGen C0265306, MONDO:0008287, OMIM 175700.
Pallister-Hall syndrome (PHS). Also called: HYPOTHALAMIC HAMARTOBLASTOMA, HYPOPITUITARISM, IMPERFORATE ANUS, AND POSTAXIAL POLYDACTYLY; GLI3-Related Pallister-Hall Syndrome. Identifiers: Orphanet 672, MedGen C0265220, MONDO:0007804, OMIM 146510.

Allele frequency attached by ClinVar (database versions not stated): gnomAD 0.00005; TOPMed 0.00006; gnomAD exomes 0.00008 and 0.00011; ExAC 0.00009; ESP Exome Variant Server 0.00015.
gnomAD v4.1: 170 of 1,607,276 alleles (0.011%); highest among the groups gnomAD compares: Non-Finnish European, 0.013%; no homozygotes.

Submissions (6):

CeGaT Center for Human Genetics Tuebingen
Classification: Likely benign. Last evaluated: 2026-09-01. Review status: criteria provided, single submitter. Criteria: CeGaT Center For Human Genetics Tuebingen Variant Classification Criteria Version 2. Collection method: clinical testing. Allele origin: germline. Affected: yes. Observed: 1 variant allele.
Comment: GLI3: BP4, BP7

PreventionGenetics, part of Exact Sciences
Classification: Likely benign for GLI3-related condition. Last evaluated: 2025-06-03. Review status: criteria provided, single submitter. Criteria: ACMG Guidelines, 2015. Collection method: clinical testing. Allele origin: germline.
Comment: This variant is classified as likely benign based on ACMG/AMP sequence variant interpretation guidelines (Richards et al. 2015 PMID: 25741868, with internal and published modifications).

Labcorp Genetics (formerly Invitae), Labcorp
Classification: Likely benign for Pallister-Hall syndrome; Greig cephalopolysyndactyly syndrome. Last evaluated: 2020-02-24. Review status: criteria provided, single submitter. Criteria: Invitae Variant Classification Sherloc (09022015). Collection method: clinical testing. Allele origin: germline.

Illumina Laboratory Services, Illumina
Classification: Likely benign for Greig cephalopolysyndactyly syndrome. Last evaluated: 2018-01-13. Review status: criteria provided, single submitter. Criteria: ICSL Variant Classification Criteria 13 December 2019. Collection method: clinical testing. Allele origin: germline.
Comment: This variant was observed in the ICSL laboratory as part of a predisposition screen in an ostensibly healthy population. It had not been previously curated by ICSL or reported in the Human Gene Mutation Database (HGMD: prior to June 1st, 2018), and was therefore a candidate for classification through an automated scoring system. Utilizing variant allele frequency, disease prevalence and penetrance estimates, and inheritance mode, an automated score was calculated to assess if this variant is too frequent to cause the disease. Based on the score and internal cut-off values, a variant classified as likely benign is not then subjected to further curation. The score for this variant resulted in a classification of likely benign for this disease.

Illumina Laboratory Services, Illumina
Classification: Likely benign for Polydactyly. Last evaluated: 2018-01-13. Review status: criteria provided, single submitter. Criteria: ICSL Variant Classification Criteria 13 December 2019. Collection method: clinical testing. Allele origin: germline.
Comment: the same text as in the submission from Illumina Laboratory Services, Illumina above.

Illumina Laboratory Services, Illumina
Classification: Likely benign for Pallister-Hall syndrome. Last evaluated: 2018-01-13. Review status: criteria provided, single submitter. Criteria: ICSL Variant Classification Criteria 13 December 2019. Collection method: clinical testing. Allele origin: germline.
Comment: the same text as in the submission from Illumina Laboratory Services, Illumina above.

NM_000168.6(GLI3):c.480C>T (p.Ser160=)

Gene: GLI3 (GLI family zinc finger 3; minus strand). Cytogenetic location: 7p14.1.
Variant type: single nucleotide variant.
Coding change: c.480C>T on transcript NM_000168.6 (MANE Select); coding-DNA position 480, C replaced by T.
Protein change: p.Ser160=; no amino-acid change (serine 160 retained).
Molecular consequence: synonymous variant.
Genome position (GRCh38, 1-based): chr7:42,048,690, G>A on the plus strand (C>T on the coding strand, the complement: GLI3 is on the minus strand). VCF-style: chr7-42048690-G-A. GRCh37 (hg19) VCF-style: chr7-42088289-G-A.
Identifiers: ClinVar variation 766814 (VCV000766814.14), dbSNP rs148660482, ClinGen allele CA4231165.
Genomic context (GRCh38, chr7:42,048,690, plus strand): 5'-CCGGTGTGGGGAGATCCTAATGAAGGGCAGGTCCGGATACGTAGGGCTACTAGATAAGGC[G>A]GAAGTCCTGGGTACAAAGAAAACCAGATACAAGGGGTATGCATGAGACAAATATCTCCAC-3'
Protein context (NP_000159.3, residues 150-170): PSPIPPLHMT[Ser160=]ALSSSPTYPD